The following is an entry in ClinVar:

NM_020529.3(NFKBIA):c.*18G>C

Gene: NFKBIA (NFKB inhibitor alpha; minus strand). Cytogenetic location: 14q13.2.
Variant type: single nucleotide variant.
Coding change: c.*18G>C on transcript NM_020529.3 (MANE Select); 18 bases downstream of the stop codon, G replaced by C.
Molecular consequence: 3 prime UTR variant.
Genome position (GRCh38, 1-based): chr14:35,401,995, C>G on the plus strand (G>C on the coding strand, the complement: NFKBIA is on the minus strand). VCF-style: chr14-35401995-C-G. GRCh37 (hg19) VCF-style: chr14-35871201-C-G.
Identifiers: ClinVar variation 313107 (VCV000313107.7), dbSNP rs9333352, ClinGen allele CA7155289.
Genomic context (GRCh38, chr14:35,401,995, plus strand): 5'-CTTTTTTCTTTTTTTAGAAAAATAAAACTTTTTTTTTGTACAAATATACAAGTCCATGTT[C>G]TTTCAGCCCCTTTGCGCTCATAACGTCAGACGCTGGCCTCCAAACACACAGTCATCATAG-3'

ClinVar aggregate classification (germline): Benign/Likely benign. Review status: criteria provided, multiple submitters, no conflicts (2 of 4 stars). 3 submissions from 3 submitters: Benign (2); Likely benign (1). Last evaluated 2026-01-23.

Conditions:
Ectodermal dysplasia and immunodeficiency 2. Identifiers: Orphanet 238468, Orphanet 98813, MedGen C2677481, MONDO:0012806, OMIM 612132.

Allele frequency attached by ClinVar (database versions not stated): 1000 Genomes Project 30x 0.00047; 1000 Genomes Project 0.00060; TOPMed 0.00123; gnomAD 0.00128 and 0.00129; ESP Exome Variant Server 0.00146; ExAC 0.00167; gnomAD exomes 0.00170.
gnomAD v4.1: 2,547 of 1,613,102 alleles (0.16%); highest among the groups gnomAD compares: Middle Eastern, 0.5%; 13 homozygotes.

Submissions (3):

Women's Health and Genetics/Laboratory Corporation of America, LabCorp
Classification: Benign. Last evaluated: 2026-01-23. Review status: criteria provided, single submitter. Criteria: LabCorp Variant Classification Summary - May 2015. Collection method: clinical testing. Allele origin: germline.

Blueprint Genetics
Classification: Likely benign. Last evaluated: 2024-11-27. Review status: criteria provided, single submitter. Criteria: ACMG Guidelines, 2015. Collection method: clinical testing. Allele origin: germline.

Illumina Laboratory Services, Illumina
Classification: Benign for Ectodermal dysplasia and immunodeficiency 2. Last evaluated: 2018-01-12. Review status: criteria provided, single submitter. Criteria: ICSL Variant Classification Criteria 13 December 2019. Collection method: clinical testing. Allele origin: germline.
Comment: This variant was observed in the ICSL laboratory as part of a predisposition screen in an ostensibly healthy population. It had not been previously curated by ICSL or reported in the Human Gene Mutation Database (HGMD: prior to June 1st, 2018), and was therefore a candidate for classification through an automated scoring system. Utilizing variant allele frequency, disease prevalence and penetrance estimates, and inheritance mode, an automated score was calculated to assess if this variant is too frequent to cause the disease. Based on the score and internal cut-off values, a variant classified as benign is not then subjected to further curation. The score for this variant resulted in a classification of benign for this disease.